The following is an entry in ClinVar:

NM_000918.4(P4HB):c.1095C>G (p.Asp365Glu)

Gene: P4HB (prolyl 4-hydroxylase subunit beta; minus strand). Cytogenetic location: 17q25.3.
Variant type: single nucleotide variant.
Coding change: c.1095C>G on transcript NM_000918.4 (MANE Select); coding-DNA position 1095, C replaced by G.
Protein change: p.Asp365Glu; replaces aspartic acid 365 with glutamic acid.
Molecular consequence: missense variant.
Genome position (GRCh38, 1-based): chr17:81,845,953, G>C on the plus strand (C>G on the coding strand, the complement: P4HB is on the minus strand). VCF-style: chr17-81845953-G-C. GRCh37 (hg19) VCF-style: chr17-79803829-G-C.
Other names: c.1095C>G (NM_000918.3); short protein forms D365E.
Identifiers: ClinVar variation 1989466 (VCV001989466.5), dbSNP rs200719772, ClinGen allele CA8842722.
Genomic context (GRCh38, chr17:81,845,953, plus strand): 5'-TTTCTCATCAAAAGCCACGTCTTCAAAGTTCTTCCCAACAAGCACCTTGACAGGCTGCTT[G>C]TCCCAGTCCTCCGGCAGCTCCTGGCTCATCAGGTGGGGCTGGAGGGCAGGCAGGGCACGG-3'
Protein context (NP_000909.2, residues 355-375): LMSQELPEDW[Asp365Glu]KQPVKVLVGK

ClinVar aggregate classification (germline): Uncertain significance. Review status: criteria provided, multiple submitters, no conflicts (2 of 4 stars). 2 submissions from 2 submitters: Uncertain significance (2). Last evaluated 2025-12-26.

Conditions:
Inborn genetic diseases. Identifiers: MedGen C0950123, MeSH D030342.

Allele frequency attached by ClinVar (database versions not stated): TOPMed below 0.00001; ExAC 0.00001; gnomAD 0.00001.
gnomAD v4.1: 38 of 1,612,828 alleles (0.0024%); highest among the groups gnomAD compares: Non-Finnish European, 0.0029%; no homozygotes.

Submissions (2):

Labcorp Genetics (formerly Invitae), Labcorp
Classification: Uncertain significance. Last evaluated: 2025-12-26. Review status: criteria provided, single submitter. Criteria: Invitae Variant Classification Sherloc (09022015). Collection method: clinical testing. Allele origin: germline.
Comment: This sequence change replaces aspartic acid, which is acidic and polar, with glutamic acid, which is acidic and polar, at codon 365 of the P4HB protein (p.Asp365Glu). This variant is present in population databases (rs200719772, gnomAD 0.004%). This variant has not been reported in the literature in individuals affected with P4HB-related conditions. ClinVar contains an entry for this variant (Variation ID: 1989466). Invitae Evidence Modeling of protein sequence and biophysical properties (such as structural, functional, and spatial information, amino acid conservation, physicochemical variation, residue mobility, and thermodynamic stability) indicates that this missense variant is not expected to disrupt P4HB protein function with a negative predictive value of 80%. In summary, the available evidence is currently insufficient to determine the role of this variant in disease. Therefore, it has been classified as a Variant of Uncertain Significance.

Ambry Genetics
Classification: Uncertain significance for Inborn genetic diseases. Last evaluated: 2025-09-25. Review status: criteria provided, single submitter. Criteria: Ambry Variant Classification Scheme 2023. Collection method: clinical testing. Allele origin: germline.